The following is an entry in ClinVar:

NM_032043.3(BRIP1):c.2216T>C (p.Leu739Pro)

Gene: BRIP1 (BRCA1 interacting DNA helicase 1; minus strand). Cytogenetic location: 17q23.2.
Variant type: single nucleotide variant.
Coding change: c.2216T>C on transcript NM_032043.3 (MANE Select); coding-DNA position 2216, T replaced by C.
Protein change: p.Leu739Pro; replaces leucine 739 with proline.
Molecular consequence: missense variant.
Genome position (GRCh38, 1-based): chr17:61,744,473, A>G on the plus strand (T>C on the coding strand, the complement: BRIP1 is on the minus strand). VCF-style: chr17-61744473-A-G. GRCh37 (hg19) VCF-style: chr17-59821834-A-G.
Other names: p.L739P:CTG>CCG; short protein forms L739P.
Identifiers: ClinVar variation 128168 (VCV000128168.17), dbSNP rs587780234, ClinGen allele CA288546.

ClinVar aggregate classification (germline): Uncertain significance. Review status: criteria provided, multiple submitters, no conflicts (2 of 4 stars). 5 submissions from 5 submitters: Uncertain significance (5). Last evaluated 2025-10-16.

Conditions:
Familial cancer of breast. Also called: BREAST CANCER, FAMILIAL; Hereditary breast cancer; hereditary breast carcinoma. Identifiers: Orphanet 227535, MedGen C0346153, MONDO:0016419, OMIM 114480. Disease mechanism: loss of function.
Fanconi anemia complementation group J. Also called: BRIP1-Related Fanconi Anemia. Identifiers: Orphanet 84, MedGen C1836860, MONDO:0012187, OMIM 609054.
Hereditary cancer-predisposing syndrome. Also called: Tumor predisposition; Hereditary Cancer Syndrome; Neoplastic Syndromes, Hereditary; Hereditary neoplastic syndrome. Identifiers: Orphanet 140162, MedGen C0027672, MeSH D009386, MONDO:0015356.

Allele frequency attached by ClinVar (database versions not stated): TOPMed 0.00001; gnomAD exomes below 0.00001.
gnomAD v4.1: 1 of 1,613,988 alleles (0.000062%); highest among the groups gnomAD compares: Admixed American, 0.0017%; no homozygotes.

Submissions (5):

Quest Diagnostics Nichols Institute San Juan Capistrano
Classification: Uncertain significance. Last evaluated: 2025-10-16. Review status: criteria provided, single submitter. Criteria: Quest Diagnostics criteria. Collection method: clinical testing. Allele origin: unknown.
Comment: The BRIP1 c.2216T>C (p.Leu739Pro) variant has not been reported in individuals with BRIP1-related conditions in the published literature. The frequency of this variant in the general population (Genome Aggregation Database) is uninformative in the assessment of its pathogenicity. Analysis of this variant using bioinformatics tools for the prediction of the effect of amino acid changes on protein structure and function yielded predictions that this variant is damaging. Based on the available information, we are unable to determine the clinical significance of this variant.

Labcorp Genetics (formerly Invitae), Labcorp
Classification: Uncertain significance for Familial cancer of breast; Fanconi anemia complementation group J. Last evaluated: 2025-09-04. Review status: criteria provided, single submitter. Criteria: Invitae Variant Classification Sherloc (09022015). Collection method: clinical testing. Allele origin: germline.
Comment: This sequence change replaces leucine, which is neutral and non-polar, with proline, which is neutral and non-polar, at codon 739 of the BRIP1 protein (p.Leu739Pro). This variant is present in population databases (rs587780234, gnomAD 0.003%). This variant has not been reported in the literature in individuals affected with BRIP1-related conditions. ClinVar contains an entry for this variant (Variation ID: 128168). Invitae Evidence Modeling of protein sequence and biophysical properties (such as structural, functional, and spatial information, amino acid conservation, physicochemical variation, residue mobility, and thermodynamic stability) indicates that this missense variant is expected to disrupt BRIP1 protein function with a positive predictive value of 95%. In summary, the available evidence is currently insufficient to determine the role of this variant in disease. Therefore, it has been classified as a Variant of Uncertain Significance.

Ambry Genetics
Classification: Uncertain significance for Hereditary cancer-predisposing syndrome. Last evaluated: 2020-10-08. Review status: criteria provided, single submitter. Criteria: Ambry Variant Classification Scheme 2023. Collection method: clinical testing. Allele origin: germline.
Comment: The p.L739P variant (also known as c.2216T>C), located in coding exon 14 of the BRIP1 gene, results from a T to C substitution at nucleotide position 2216. The leucine at codon 739 is replaced by proline, an amino acid with similar properties. This amino acid position is highly conserved in available vertebrate species. In addition, this alteration is predicted to be deleterious by in silico analysis. Since supporting evidence is limited at this time, the clinical significance of this alteration remains unclear.

Fulgent Genetics
Classification: Uncertain significance for Familial cancer of breast; Fanconi anemia complementation group J. Last evaluated: 2018-10-31. Review status: criteria provided, single submitter. Criteria: ACMG Guidelines, 2015. Collection method: clinical testing. Allele origin: unknown.

GeneDx
Classification: Uncertain significance. Last evaluated: 2014-02-12. Review status: criteria provided, single submitter. Criteria: GeneDx Variant Classification (06012015). Collection method: clinical testing. Allele origin: germline. Affected: yes.
Comment: This variant is denoted BRIP1 c.2216T>C at the cDNA level, p.Leu739Pro (L739P) at the protein level, and results in the change of a Leucine to a Proline (CTG>CCG). This variant has not, to our knowledge, been published in the literature as pathogenic or benign. BRIP1 Leu739Pro was not observed in approximately 6,500 individuals of European and African American ancestry in the NHLBI Exome Sequencing Project, indicating it is not a common benign variant in these populations. Since Leucine and Proline differ in some properties, this is considered a semi-conservative amino acid substitution. BRIP1 Leu739Pro occurs at a position that is well conserved across species and is located in the helicase domain (Cantor 2011). In addition, in silico algorithms predict that this variant is probably damaging to protein structure and function. Based on currently available information, it is unclear whether BRIP1 Leu739Pro is pathogenic or benign. We consider it to be a variant of uncertain significance.